The following is an entry in ClinVar:

NM_001557.4(CXCR2):c.550C>T (p.Arg184Ter)

Gene: CXCR2 (C-X-C motif chemokine receptor 2; plus strand). Cytogenetic location: 2q35.
Variant type: single nucleotide variant.
Coding change: c.550C>T on transcript NM_001557.4 (MANE Select); coding-DNA position 550, C replaced by T.
Protein change: p.Arg184Ter; replaces arginine 184 with a stop codon.
Molecular consequence: nonsense.
Genome position (GRCh38, 1-based): chr2:218,135,351, C>T. VCF-style: chr2-218135351-C-T. GRCh37 (hg19) VCF-style: chr2-219000074-C-T.
Other names: c.550C>T, p.Arg184Ter (NM_001168298.2); short protein forms R184*.
Identifiers: ClinVar variation 1372109 (VCV001372109.9), dbSNP rs200409575, ClinGen allele CA65711084.

ClinVar aggregate classification (germline): Pathogenic. Review status: criteria provided, single submitter (1 of 4 stars). 2 submissions from 2 submitters: Pathogenic (1). 1 of the submissions does not count toward it. Last evaluated 2023-10-13.

Conditions:
WHIM syndrome 2 (SCN13). Also called: WARTS, HYPOGAMMAGLOBULINEMIA, INFECTIONS, AND MYELOKATHEXIS SYNDROME 2; NEUTROPENIA, SEVERE CONGENITAL, 13, AUTOSOMAL RECESSIVE. Identifiers: MedGen C5543622, MONDO:0030374, OMIM 619407.

Allele frequency attached by ClinVar (database versions not stated): gnomAD exomes 0.00001.
gnomAD v4.1: 9 of 1,614,178 alleles (0.00056%); highest among the groups gnomAD compares: South Asian, 0.0022%; no homozygotes.

Submissions (2):

Labcorp Genetics (formerly Invitae), Labcorp
Classification: Pathogenic. Last evaluated: 2023-10-13. Review status: criteria provided, single submitter. Criteria: Invitae Variant Classification Sherloc (09022015). Collection method: clinical testing. Allele origin: germline.
Comment: This sequence change creates a premature translational stop signal (p.Arg184*) in the CXCR2 gene. While this is not anticipated to result in nonsense mediated decay, it is expected to disrupt the last 177 amino acid(s) of the CXCR2 protein. This variant is not present in population databases (gnomAD no frequency). This premature translational stop signal has been observed in individual(s) with clinical features of congenital neutropenia (PMID: 34854278). ClinVar contains an entry for this variant (Variation ID: 1372109). This variant disrupts a region of the CXCR2 protein in which other variant(s) (p.His323Leufs*7 ) have been determined to be pathogenic (PMID: 24777453). This suggests that this is a clinically significant region of the protein, and that variants that disrupt it are likely to be disease-causing. For these reasons, this variant has been classified as Pathogenic.

OMIM
Classification: Pathogenic for NEUTROPENIA, SEVERE CONGENITAL, 13, AUTOSOMAL RECESSIVE. Last evaluated: 2026-05-21. Review status: no assertion criteria provided. Collection method: literature only. Allele origin: germline. Not counted in ClinVar's aggregate classification.

Literature cited by the submitters: PubMed 34854278 (cited by Labcorp Genetics (formerly Invitae), Labcorp and OMIM); PubMed 24777453 (cited by Labcorp Genetics (formerly Invitae), Labcorp).